The following is an entry in ClinVar:

ClinVar aggregate classification (germline): Uncertain significance. Review status: criteria provided, multiple submitters, no conflicts (2 of 4 stars). 2 submissions from 2 submitters: Uncertain significance (2). Last evaluated 2024-11-26.

Conditions:
Hereditary cancer-predisposing syndrome. Also called: Neoplastic Syndromes, Hereditary; Tumor predisposition; Hereditary Cancer Syndrome; Hereditary neoplastic syndrome. Identifiers: Orphanet 140162, MedGen C0027672, MeSH D009386, MONDO:0015356.
Multiple endocrine neoplasia, type 2 (MEN2). Identifiers: Orphanet 653, MedGen C4048306, MONDO:0019003. Disease mechanism: gain of function.

gnomAD v4.1: 2 of 1,606,932 alleles (0.00012%); highest among the groups gnomAD compares: Non-Finnish European, 0.00017%; no homozygotes.

Submissions (2):

Ambry Genetics
Classification: Uncertain significance for Hereditary cancer-predisposing syndrome. Last evaluated: 2024-11-26. Review status: criteria provided, single submitter. Criteria: Ambry Variant Classification Scheme 2023. Collection method: clinical testing. Allele origin: germline.
Comment: The p.G588V variant (also known as c.1763G>T), located in coding exon 10 of the RET gene, results from a G to T substitution at nucleotide position 1763. The glycine at codon 588 is replaced by valine, an amino acid with dissimilar properties. This amino acid position is well conserved in available vertebrate species. In addition, the in silico prediction for this alteration is inconclusive. Based on the available evidence, the clinical significance of this variant remains unclear.

Labcorp Genetics (formerly Invitae), Labcorp
Classification: Uncertain significance for Multiple endocrine neoplasia, type 2. Last evaluated: 2023-03-03. Review status: criteria provided, single submitter. Criteria: Invitae Variant Classification Sherloc (09022015). Collection method: clinical testing. Allele origin: germline.
Comment: This sequence change replaces glycine, which is neutral and non-polar, with valine, which is neutral and non-polar, at codon 588 of the RET protein (p.Gly588Val). This variant is not present in population databases (gnomAD no frequency). This variant has not been reported in the literature in individuals affected with RET-related conditions. ClinVar contains an entry for this variant (Variation ID: 1779627). An algorithm developed to predict the effect of missense changes on protein structure and function (PolyPhen-2) suggests that this variant is likely to be disruptive. In summary, the available evidence is currently insufficient to determine the role of this variant in disease. Therefore, it has been classified as a Variant of Uncertain Significance.

NM_020975.6(RET):c.1763G>T (p.Gly588Val)

Gene: RET (ret proto-oncogene; plus strand). Cytogenetic location: 10q11.21.
Variant type: single nucleotide variant.
Coding change: c.1763G>T on transcript NM_020975.6 (MANE Select); coding-DNA position 1763, G replaced by T.
Protein change: p.Gly588Val; replaces glycine 588 with valine.
Molecular consequence: missense variant.
Genome position (GRCh38, 1-based): chr10:43,113,559, G>T. VCF-style: chr10-43113559-G-T. GRCh37 (hg19) VCF-style: chr10-43609007-G-T.
Other names: c.1475G>T, p.Gly492Val (NM_001406766.1, NM_001406767.1, NM_001406770.1); c.1634G>T, p.Gly545Val (NM_001406768.1, NM_001406761.1, NM_001406762.1 and 1 more transcripts); c.1367G>T, p.Gly456Val (NM_001406769.1, NM_001406772.1); c.1763G>T, p.Gly588Val (NM_000323.2, NM_001406743.1, NM_001406744.1 and 6 more transcripts); c.1001G>T, p.Gly334Val (NM_001355216.2); c.1325G>T, p.Gly442Val (NM_001406771.1, NM_001406773.1); c.1238G>T, p.Gly413Val (NM_001406774.1); c.1037G>T, p.Gly346Val (NM_001406775.1, NM_001406776.1, NM_001406777.1 and 1 more transcripts); and 5 more; short protein forms G442V, G456V, G246V, G346V, G545V, G105V, G258V, G289V.
Identifiers: ClinVar variation 1779627 (VCV001779627.6), dbSNP rs1398378776, ClinGen allele CA376552405.